The following is an entry in ClinVar:

NM_198428.3(BBS9):c.2059A>G (p.Lys687Glu)

Gene: BBS9 (Bardet-Biedl syndrome 9; plus strand). Cytogenetic location: 7p14.3.
Variant type: single nucleotide variant.
Coding change: c.2059A>G on transcript NM_198428.3 (MANE Select); coding-DNA position 2059, A replaced by G.
Protein change: p.Lys687Glu; replaces lysine 687 with glutamic acid.
Molecular consequence: missense variant. On other transcripts: non-coding transcript variant (3).
Genome position (GRCh38, 1-based): chr7:33,388,088, A>G. VCF-style: chr7-33388088-A-G. GRCh37 (hg19) VCF-style: chr7-33427700-A-G.
Other names: c.2059A>G (NM_198428.2); c.1954A>G, p.Lys652Glu (NM_001033604.2); c.2044A>G, p.Lys682Glu (NM_001033605.2); c.2059A>G, p.Lys687Glu (NM_001348036.1, NM_001348041.4, NM_001348043.3 and 1 more transcripts); c.1693A>G, p.Lys565Glu (NM_001348037.3, NM_001348045.3, NM_001348046.3); c.1786A>G, p.Lys596Glu (NM_001348038.3); c.1681A>G, p.Lys561Glu (NM_001348039.3); c.1939A>G, p.Lys647Glu (NM_001348040.3, NM_014451.4); and 2 more; short protein forms K530E, K561E, K565E, K596E, K642E, K647E, K652E, K682E.
Identifiers: ClinVar variation 1002982 (VCV001002982.11), dbSNP rs760800602, ClinGen allele CA4214588.
Genomic context (GRCh38, chr7:33,388,088, plus strand): 5'-TCTGAGAGAGCTGTACAATTTCGGGCCATTCAACGCCGGCTACTAGCAAGATTCAAAGAT[A>G]AAACTCCTGCCCCTCTTCAACACCTGGACACCTTGTTAGATGGAACCTACAAGCAGGTCA-3'
Protein context (NP_940820.1, residues 677-697): QRRLLARFKD[Lys687Glu]TPAPLQHLDT

ClinVar aggregate classification (germline): Uncertain significance. Review status: criteria provided, multiple submitters, no conflicts (2 of 4 stars). 6 submissions from 6 submitters: Uncertain significance (3). 3 of the submissions do not count toward it. Last evaluated 2024-12-03.

Conditions:
Bardet-Biedl syndrome (BBS). Identifiers: Orphanet 110, MedGen C0752166, MONDO:0015229.
Bardet-Biedl syndrome 9 (BBS9). Identifiers: Orphanet 110, MedGen C1859567, MONDO:0014437, OMIM 615986.
BBS9-related disorder. Also called: BBS9-related condition.

Allele frequency attached by ClinVar (database versions not stated): TOPMed 0.00001; ExAC 0.00002; gnomAD 0.00002; gnomAD exomes 0.00002.
gnomAD v4.1: 17 of 1,614,052 alleles (0.0011%); highest among the groups gnomAD compares: Admixed American, 0.0033%; no homozygotes.

Submissions (6):

PreventionGenetics, part of Exact Sciences
Classification: Uncertain significance for BBS9-related condition. Last evaluated: 2024-12-03. Review status: criteria provided, single submitter. Criteria: ACMG Guidelines, 2015. Collection method: clinical testing. Allele origin: germline.
Comment: The BBS9 c.2059A>G variant is predicted to result in the amino acid substitution p.Lys687Glu. To our knowledge, this variant has not been reported in the literature. This variant is reported in 0.0056% of alleles in individuals of Latino descent in gnomAD. At this time, the clinical significance of this variant is uncertain due to the absence of conclusive functional and genetic evidence.

Labcorp Genetics (formerly Invitae), Labcorp
Classification: Uncertain significance for Bardet-Biedl syndrome. Last evaluated: 2024-11-10. Review status: criteria provided, single submitter. Criteria: Invitae Variant Classification Sherloc (09022015). Collection method: clinical testing. Allele origin: germline.
Comment: This sequence change replaces lysine, which is basic and polar, with glutamic acid, which is acidic and polar, at codon 687 of the BBS9 protein (p.Lys687Glu). This variant is present in population databases (rs760800602, gnomAD 0.006%). This variant has not been reported in the literature in individuals affected with BBS9-related conditions. ClinVar contains an entry for this variant (Variation ID: 1002982). Invitae Evidence Modeling of protein sequence and biophysical properties (such as structural, functional, and spatial information, amino acid conservation, physicochemical variation, residue mobility, and thermodynamic stability) indicates that this missense variant is expected to disrupt BBS9 protein function with a positive predictive value of 80%. In summary, the available evidence is currently insufficient to determine the role of this variant in disease. Therefore, it has been classified as a Variant of Uncertain Significance.

Fulgent Genetics
Classification: Uncertain significance for Bardet-Biedl syndrome 9. Last evaluated: 2024-02-20. Review status: criteria provided, single submitter. Criteria: ACMG Guidelines, 2015. Collection method: clinical testing. Allele origin: germline.

Clinical Genetics DNA and cytogenetics Diagnostics Lab, Erasmus MC, Erasmus Medical Center
Classification: Uncertain significance. Review status: no assertion criteria provided. Collection method: clinical testing. Allele origin: germline. Affected: yes. Study: VKGL Data-share Consensus. Not counted in ClinVar's aggregate classification.

Diagnostic Laboratory, Department of Genetics, University Medical Center Groningen
Classification: Uncertain significance. Review status: no assertion criteria provided. Collection method: clinical testing. Allele origin: germline. Affected: yes. Study: VKGL Data-share Consensus. Not counted in ClinVar's aggregate classification.

Genome Diagnostics Laboratory, University Medical Center Utrecht
Classification: Uncertain significance. Review status: no assertion criteria provided. Collection method: clinical testing. Allele origin: germline. Affected: yes. Study: VKGL Data-share Consensus. Not counted in ClinVar's aggregate classification.